The following is an entry in ClinVar:

NM_000492.4(CFTR):c.2855T>G (p.Met952Arg)

Gene: CFTR (CF transmembrane conductance regulator; plus strand). Cytogenetic location: 7q31.2.
Variant type: single nucleotide variant.
Coding change: c.2855T>G on transcript NM_000492.4 (MANE Select); coding-DNA position 2855, T replaced by G.
Protein change: p.Met952Arg; replaces methionine 952 with arginine.
Molecular consequence: missense variant.
Genome position (GRCh38, 1-based): chr7:117,603,729, T>G. VCF-style: chr7-117603729-T-G. GRCh37 (hg19) VCF-style: chr7-117243783-T-G.
Other names: short protein forms M952R.
Identifiers: ClinVar variation 2579745 (VCV002579745.1), dbSNP rs142773283, ClinGen allele CA368987324.

ClinVar aggregate classification (germline): Uncertain significance (1 of 4 stars; one submission).

Conditions:
Cystic fibrosis (CF). Also called: MUCOVISCIDOSIS. Identifiers: Orphanet 586, MedGen C0010674, MONDO:0009061, OMIM 219700. Disease mechanism: loss of function.

Submission:

Institute of Human Genetics, University of Leipzig Medical Center
Classification: Uncertain significance for Cystic fibrosis. Last evaluated: 2023-07-26. Review status: criteria provided, single submitter. Criteria: ACMG Guidelines, 2015. Collection method: curation. Allele origin: unknown. Affected: yes. Observed: 1 variant allele.
Comment: This variant was classified based on the report of 1 patient with a clinically confirmed diagnosis of cystic fibrosis in the context of re-classifying variants in the German Cystic Fibrosis Registry (Muko e.V.). Patients have not been seen personally, but only reports were evaluated. Criteria applied:PM5, PP3, PM2_SUP